The following is an entry in ClinVar:

ClinVar aggregate classification (germline): Uncertain significance (1 of 4 stars; one submission).

Conditions:
Chédiak-Higashi syndrome (CHS). Also called: Chediak-Higashi Syndrome. Identifiers: Orphanet 167, MedGen C0007965, MONDO:0008963, OMIM 214500.

Allele frequency attached by ClinVar (database versions not stated): gnomAD exomes below 0.00001.
gnomAD v4.1: 3 of 1,613,570 alleles (0.00019%); highest among the groups gnomAD compares: African/African-American, 0.004%; no homozygotes.

Submission:

Labcorp Genetics (formerly Invitae), Labcorp
Classification: Uncertain significance for Chédiak-Higashi syndrome. Last evaluated: 2020-06-02. Review status: criteria provided, single submitter. Criteria: Invitae Variant Classification Sherloc (09022015). Collection method: clinical testing. Allele origin: germline.
Comment: In summary, the available evidence is currently insufficient to determine the role of this variant in disease. Therefore, it has been classified as a Variant of Uncertain Significance. Algorithms developed to predict the effect of missense changes on protein structure and function are either unavailable or do not agree on the potential impact of this missense change (SIFT: "Deleterious"; PolyPhen-2: "Probably Damaging"; Align-GVGD: "Class C0"). This variant has not been reported in the literature in individuals with LYST-related conditions. This variant is not present in population databases (ExAC no frequency). This sequence change replaces proline with leucine at codon 2955 of the LYST protein (p.Pro2955Leu). The proline residue is highly conserved and there is a moderate physicochemical difference between proline and leucine.

NM_000081.4(LYST):c.8864C>T (p.Pro2955Leu)

Gene: LYST (lysosomal trafficking regulator; minus strand). Cytogenetic location: 1q42.3.
Variant type: single nucleotide variant.
Coding change: c.8864C>T on transcript NM_000081.4 (MANE Select); coding-DNA position 8864, C replaced by T.
Protein change: p.Pro2955Leu; replaces proline 2955 with leucine.
Molecular consequence: missense variant.
Genome position (GRCh38, 1-based): chr1:235,731,115, G>A on the plus strand (C>T on the coding strand, the complement: LYST is on the minus strand). VCF-style: chr1-235731115-G-A. GRCh37 (hg19) VCF-style: chr1-235894415-G-A.
Other names: c.8864C>T, p.Pro2955Leu (NM_001301365.1); short protein forms P2955L.
Identifiers: ClinVar variation 1004134 (VCV001004134.5), dbSNP rs2527531345, ClinGen allele CA344950124.
Genomic context (GRCh38, chr1:235,731,115, plus strand): 5'-AGGAGATACTTATTTGGAATAGTTAAATAACATCTCTGTAAACGTCTCCTCTCTCGATTT[G>A]GCCCTTCTGTTGGATCCAACTGCCATGAGGTTGGATAGTAGATGGGGTCATACCATACTG-3'
Protein context (NP_000072.2, residues 2945-2965): TSWQLDPTEG[Pro2955Leu]NRERRRLQRC